The following is an entry in ClinVar:

NM_001384140.1(PCDH15):c.1781G>T (p.Arg594Leu)

Gene: PCDH15 (protocadherin related 15; minus strand). Cytogenetic location: 10q21.1.
Variant type: single nucleotide variant.
Coding change: c.1781G>T on transcript NM_001384140.1 (MANE Select); coding-DNA position 1781, G replaced by T.
Protein change: p.Arg594Leu; replaces arginine 594 with leucine.
Molecular consequence: missense variant.
Genome position (GRCh38, 1-based): chr10:54,153,103, C>A on the plus strand (G>T on the coding strand, the complement: PCDH15 is on the minus strand). VCF-style: chr10-54153103-C-A. GRCh37 (hg19) VCF-style: chr10-55912863-C-A.
Other names: c.1796G>T, p.Arg599Leu (NM_001142763.2, NM_001142771.2); c.1781G>T, p.Arg594Leu (NM_001142764.2, NM_001142765.2, NM_001142766.2 and 6 more transcripts); c.1670G>T, p.Arg557Leu (NM_001142767.2); c.1715G>T, p.Arg572Leu (NM_001142768.2, NM_001142773.2, NM_001354404.2); c.1817G>T, p.Arg606Leu (NM_001142769.4); c.1802G>T, p.Arg601Leu (NM_001354411.2); short protein forms R572L, R557L, R599L, R606L, R594L, R601L.
Identifiers: ClinVar variation 1991691 (VCV001991691.4), dbSNP rs1402798500, ClinGen allele CA376518983.
Genomic context (GRCh38, chr10:54,153,103, plus strand): 5'-AATTACAGGGTTAAACGGGCCCGATGAAAAGACTGCATTGGTTCTAATATAAATTACCTT[C>A]GCTCTGCAGGAGGAGCATTATCCGCTGCTTGGACCGTGAGTGCGTAAGTCCGCCCGACTA-3'
Protein context (NP_001371069.1, residues 584-604): QAADNAPPAE[Arg594Leu]RNSICTVYIE

ClinVar aggregate classification (germline): Uncertain significance (1 of 4 stars; one submission).

gnomAD v4.1: 2 of 1,613,714 alleles (0.00012%); highest among the groups gnomAD compares: South Asian, 0.0022%; no homozygotes.

Submission:

Labcorp Genetics (formerly Invitae), Labcorp
Classification: Uncertain significance. Last evaluated: 2024-02-17. Review status: criteria provided, single submitter. Criteria: Invitae Variant Classification Sherloc (09022015). Collection method: clinical testing. Allele origin: germline.
Comment: This sequence change replaces arginine, which is basic and polar, with leucine, which is neutral and non-polar, at codon 594 of the PCDH15 protein (p.Arg594Leu). This variant is not present in population databases (gnomAD no frequency). This variant has not been reported in the literature in individuals affected with PCDH15-related conditions. ClinVar contains an entry for this variant (Variation ID: 1991691). Advanced modeling of protein sequence and biophysical properties (such as structural, functional, and spatial information, amino acid conservation, physicochemical variation, residue mobility, and thermodynamic stability) has been performed at Invitae for this missense variant, however the output from this modeling did not meet the statistical confidence thresholds required to predict the impact of this variant on PCDH15 protein function. In summary, the available evidence is currently insufficient to determine the role of this variant in disease. Therefore, it has been classified as a Variant of Uncertain Significance.